The following is an entry in ClinVar:

NM_144599.5(NIPA1):c.*4774G>A

Gene: NIPA1 (NIPA magnesium transporter 1; plus strand). Cytogenetic location: 15q11.2.
Variant type: single nucleotide variant.
Coding change: c.*4774G>A on transcript NM_144599.5 (MANE Select); 4774 bases downstream of the stop codon, G replaced by A.
Molecular consequence: 3 prime UTR variant.
Genome position (GRCh38, 1-based): chr15:22,829,013, G>A. VCF-style: chr15-22829013-G-A. GRCh37 (hg19) VCF-style: chr15-23044055-C-T.
Other names: c.*4774G>A (NM_001142275.1).
Identifiers: ClinVar variation 315346 (VCV000315346.5), dbSNP rs541776619, ClinGen allele CA10646718.

ClinVar aggregate classification (germline): Benign (1 of 4 stars; one submission).

Conditions:
Hereditary spastic paraplegia 6 (SPG6). Also called: SPASTIC PARAPLEGIA 6, AUTOSOMAL DOMINANT. Identifiers: Orphanet 100988, MedGen C1838192, MONDO:0010878, OMIM 600363.

Allele frequency attached by ClinVar (database versions not stated): 1000 Genomes Project 30x 0.00031; 1000 Genomes Project 0.00040; TOPMed 0.00054; gnomAD 0.00066 and 0.00067.

Submission:

Illumina Laboratory Services, Illumina
Classification: Benign for Hereditary spastic paraplegia 6. Last evaluated: 2018-01-13. Review status: criteria provided, single submitter. Criteria: ICSL Variant Classification Criteria 13 December 2019. Collection method: clinical testing. Allele origin: germline.
Comment: This variant was observed in the ICSL laboratory as part of a predisposition screen in an ostensibly healthy population. It had not been previously curated by ICSL or reported in the Human Gene Mutation Database (HGMD: prior to June 1st, 2018), and was therefore a candidate for classification through an automated scoring system. Utilizing variant allele frequency, disease prevalence and penetrance estimates, and inheritance mode, an automated score was calculated to assess if this variant is too frequent to cause the disease. Based on the score and internal cut-off values, a variant classified as benign is not then subjected to further curation. The score for this variant resulted in a classification of benign for this disease.